The following is an entry in ClinVar:

NM_003803.4(MYOM1):c.3455del (p.Gly1152fs)

Gene: MYOM1 (myomesin 1; minus strand). Cytogenetic location: 18p11.31.
Variant type: Deletion.
Coding change: c.3455del on transcript NM_003803.4 (MANE Select); coding-DNA position 3455, one base deleted (G; older notation c.3455delG).
Protein change: p.Gly1152fs; shifts the reading frame from glycine 1152.
Molecular consequence: frameshift variant.
Genome position (GRCh38, 1-based): chr18:3,102,594, C deleted on the plus strand (G on the coding strand, the reverse complement: MYOM1 is on the minus strand); the first of 2 consecutive C bases (chr18:3,102,594-3,102,595); deleting either gives the same sequence. VCF-style (leftmost placement, unchanged base first): chr18-3102593-TC-T. GRCh37 (hg19) VCF-style: chr18-3102591-TC-T.
Other names: c.3167del, p.Gly1056fs (NM_019856.2); short protein forms G1056fs, G1152fs.
Identifiers: ClinVar variation 1006741 (VCV001006741.6), dbSNP rs2079395612, ClinGen allele CA2280874080.

ClinVar aggregate classification (germline): Uncertain significance (1 of 4 stars; one submission).

Conditions:
Hypertrophic cardiomyopathy. Also called: HYPERTROPHIC MYOCARDIOPATHY. Identifiers: Orphanet 217569, MedGen C0007194, MeSH D002312, MONDO:0005045, HP:0001639.

Submission:

Labcorp Genetics (formerly Invitae), Labcorp
Classification: Uncertain significance for Hypertrophic cardiomyopathy. Last evaluated: 2020-03-12. Review status: criteria provided, single submitter. Criteria: Invitae Variant Classification Sherloc (09022015). Collection method: clinical testing. Allele origin: germline.
Comment: In summary, the available evidence is currently insufficient to determine the role of this variant in disease. Therefore, it has been classified as a Variant of Uncertain Significance. The current clinical and genetic evidence is not sufficient to establish whether loss-of-function variants in MYOM1 cause disease. This variant has not been reported in the literature in individuals with MYOM1-related conditions. This variant is not present in population databases (ExAC no frequency). This sequence change creates a premature translational stop signal (p.Gly1152Glufs*5) in the MYOM1 gene. It is expected to result in an absent or disrupted protein product.